The following is an entry in ClinVar:

ClinVar aggregate classification (germline): Uncertain significance (1 of 4 stars; one submission).

Allele frequency attached by ClinVar (database versions not stated): gnomAD exomes below 0.00001.
gnomAD v4.1: 1 of 1,613,844 alleles (0.000062%); highest among the groups gnomAD compares: East Asian, 0.0022%; no homozygotes.

Submission:

GeneDx
Classification: Uncertain significance. Last evaluated: 2019-01-03. Review status: criteria provided, single submitter. Criteria: GeneDx Variant Classification (06012015). Collection method: clinical testing. Allele origin: germline. Affected: yes.
Comment: The A1741T variant in the CACNA1D gene has not been reported previously as a pathogenic variant, nor as a benign variant, to our knowledge. The A1741T variant is not observed in large population cohorts (Lek et al., 2016; 1000 Genomes Consortium et al., 2015; Exome Variant Server). The A1741T variant is a non-conservative amino acid substitution, which is likely to impact secondary protein structure as these residues differ in polarity, charge, size and/or other properties. This substitution occurs at a position that is conserved in mammals. In silico analysis is inconsistent in its predictions as to whether or not the variant is damaging to the protein structure/function. We interpret A1741T as a variant of uncertain significance.

NM_001128840.3(CACNA1D):c.5161G>A (p.Ala1721Thr)

Gene: CACNA1D (calcium voltage-gated channel subunit alpha1 D; plus strand). Cytogenetic location: 3p21.1.
Variant type: single nucleotide variant.
Coding change: c.5161G>A on transcript NM_001128840.3 (MANE Select); coding-DNA position 5161, G replaced by A.
Protein change: p.Ala1721Thr; replaces alanine 1721 with threonine.
Molecular consequence: missense variant.
Genome position (GRCh38, 1-based): chr3:53,801,178, G>A. VCF-style: chr3-53801178-G-A. GRCh37 (hg19) VCF-style: chr3-53835205-G-A.
Other names: c.5221G>A, p.Ala1741Thr (NM_000720.4); c.5116G>A, p.Ala1706Thr (NM_001128839.3); short protein forms A1741T, A1721T, A1706T.
Identifiers: ClinVar variation 450779 (VCV000450779.2), dbSNP rs1553687790, ClinGen allele CA353250232.
Genomic context (GRCh38, chr3:53,801,178, plus strand): 5'-CTTCAGCAGACCAATACCACCCACCGTCCCCTGCATGTCCAAAGGCCTTCAATTCCACCT[G>A]CAAGTGATACTGAGAAACCGCTGTTTCCTCCAGCAGGAAATTCGGTGTGTCATAACCATC-3'
Protein context (NP_001122312.1, residues 1711-1731): LHVQRPSIPP[Ala1721Thr]SDTEKPLFPP